The following is an entry in ClinVar:

NM_005901.6(SMAD2):c.727A>G (p.Thr243Ala)

Gene: SMAD2 (SMAD family member 2; minus strand). Cytogenetic location: 18q21.1.
Variant type: single nucleotide variant.
Coding change: c.727A>G on transcript NM_005901.6 (MANE Select); coding-DNA position 727, A replaced by G.
Protein change: p.Thr243Ala; replaces threonine 243 with alanine.
Molecular consequence: missense variant.
Genome position (GRCh38, 1-based): chr18:47,865,062, T>C on the plus strand (A>G on the coding strand, the complement: SMAD2 is on the minus strand). VCF-style: chr18-47865062-T-C. GRCh37 (hg19) VCF-style: chr18-45391433-T-C.
Other names: c.727A>G, p.Thr243Ala (NM_001003652.4); c.637A>G, p.Thr213Ala (NM_001135937.3); short protein forms T213A, T243A.
Identifiers: ClinVar variation 1309390 (VCV001309390.6), dbSNP rs2144362208, ClinGen allele CA402501314.

ClinVar aggregate classification (germline): Uncertain significance. Review status: criteria provided, multiple submitters, no conflicts (2 of 4 stars). 2 submissions from 2 submitters: Uncertain significance (2). Last evaluated 2022-07-30.

Allele frequency attached by ClinVar (database versions not stated): gnomAD exomes below 0.00001.
gnomAD v4.1: 5 of 1,578,652 alleles (0.00032%); highest among the groups gnomAD compares: Non-Finnish European, 0.00044%; no homozygotes.

Submissions (2):

Labcorp Genetics (formerly Invitae), Labcorp
Classification: Uncertain significance. Last evaluated: 2022-07-30. Review status: criteria provided, single submitter. Criteria: Invitae Variant Classification Sherloc (09022015). Collection method: clinical testing. Allele origin: germline.
Comment: This variant is not present in population databases (gnomAD no frequency). This sequence change replaces threonine, which is neutral and polar, with alanine, which is neutral and non-polar, at codon 243 of the SMAD2 protein (p.Thr243Ala). This variant has not been reported in the literature in individuals affected with SMAD2-related conditions. ClinVar contains an entry for this variant (Variation ID: 1309390). Advanced modeling of protein sequence and biophysical properties (such as structural, functional, and spatial information, amino acid conservation, physicochemical variation, residue mobility, and thermodynamic stability) performed at Invitae indicates that this missense variant is not expected to disrupt SMAD2 protein function. In summary, the available evidence is currently insufficient to determine the role of this variant in disease. Therefore, it has been classified as a Variant of Uncertain Significance.

GeneDx
Classification: Uncertain significance. Last evaluated: 2019-10-21. Review status: criteria provided, single submitter. Criteria: GeneDx Variant Classification Process June 2021. Collection method: clinical testing. Allele origin: germline. Affected: yes.
Comment: Not observed in large population cohorts (Lek et al., 2016); In silico analysis, which includes protein predictors and evolutionary conservation, supports that this variant does not alter protein structure/function; Has not been previously published as pathogenic or benign to our knowledge